The following is an entry in ClinVar:

NM_000531.6(OTC):c.811G>C (p.Glu271Gln)

Gene: OTC (ornithine transcarbamylase; plus strand). Cytogenetic location: Xp11.4.
Variant type: single nucleotide variant.
Coding change: c.811G>C on transcript NM_000531.6 (MANE Select); coding-DNA position 811, G replaced by C.
Protein change: p.Glu271Gln; replaces glutamic acid 271 with glutamine.
Molecular consequence: missense variant.
Genome position (GRCh38, 1-based): chrX:38,408,969, G>C. VCF-style: chrX-38408969-G-C. GRCh37 (hg19) VCF-style: chrX-38268222-G-C.
Other names: c.811G>C, p.Glu271Gln (NM_001407092.1); short protein forms E271Q.
Identifiers: ClinVar variation 2130420 (VCV002130420.4), dbSNP rs2519979290, ClinGen allele CA412723211.

ClinVar aggregate classification (germline): Uncertain significance (1 of 4 stars; one submission).

Conditions:
Ornithine carbamoyltransferase deficiency (OTCD). Also called: ORNITHINE TRANSCARBAMYLASE DEFICIENCY, HYPERAMMONEMIA DUE TO; Ornithine Carbamoyltransferase Deficiency Disease; ORNITHINE TRANSCARBAMYLASE DEFICIENCY; OTC DEFICIENCY. Identifiers: Orphanet 664, MedGen C0268542, MONDO:0010703, OMIM 311250.

Submission:

Labcorp Genetics (formerly Invitae), Labcorp
Classification: Uncertain significance for Ornithine carbamoyltransferase deficiency. Last evaluated: 2022-05-31. Review status: criteria provided, single submitter. Criteria: Invitae Variant Classification Sherloc (09022015). Collection method: clinical testing. Allele origin: germline.
Comment: Advanced modeling of protein sequence and biophysical properties (such as structural, functional, and spatial information, amino acid conservation, physicochemical variation, residue mobility, and thermodynamic stability) performed at Invitae indicates that this missense variant is expected to disrupt OTC protein function. In summary, the available evidence is currently insufficient to determine the role of this variant in disease. Therefore, it has been classified as a Variant of Uncertain Significance. This variant has not been reported in the literature in individuals affected with OTC-related conditions. This variant is not present in population databases (gnomAD no frequency). This sequence change replaces glutamic acid, which is acidic and polar, with glutamine, which is neutral and polar, at codon 271 of the OTC protein (p.Glu271Gln).